The following is an entry in ClinVar:

NM_001972.4(ELANE):c.402G>C (p.Gln134His)

Gene: ELANE (elastase, neutrophil expressed; plus strand). Cytogenetic location: 19p13.3.
Variant type: single nucleotide variant.
Coding change: c.402G>C on transcript NM_001972.4 (MANE Select); coding-DNA position 402, G replaced by C.
Protein change: p.Gln134His; replaces glutamine 134 with histidine.
Molecular consequence: missense variant.
Genome position (GRCh38, 1-based): chr19:855,599, G>C. VCF-style: chr19-855599-G-C. GRCh37 (hg19) VCF-style: chr19-855599-G-C.
Other names: short protein forms Q134H.
Identifiers: ClinVar variation 4017376 (VCV004017376.1).

ClinVar aggregate classification (germline): Uncertain significance (1 of 4 stars; one submission).

Conditions:
Inborn genetic diseases. Identifiers: MedGen C0950123, MeSH D030342.

Submission:

Ambry Genetics
Classification: Uncertain significance for Inborn genetic diseases. Last evaluated: 2025-04-05. Review status: criteria provided, single submitter. Criteria: Ambry Variant Classification Scheme 2023. Collection method: clinical testing. Allele origin: germline.
Comment: The p.Q134H variant (also known as c.402G>C), located in coding exon 4 of the ELANE gene, results from a G to C substitution at nucleotide position 402. The glutamine at codon 134 is replaced by histidine, an amino acid with highly similar properties. This amino acid position is conserved. In addition, this alteration is predicted to be tolerated by in silico analysis. Based on the available evidence, the clinical significance of this variant remains unclear.